The following is an entry in ClinVar:

ClinVar aggregate classification (germline): Pathogenic (1 of 4 stars; one submission).

Conditions:
Congenital dyserythropoietic anemia, type II (CDAN2). Also called: DYSERYTHROPOIETIC ANEMIA, HEMPAS TYPE. Identifiers: Orphanet 98873, MedGen C1306589, MONDO:0009134, OMIM 224100.
Cowden syndrome 7 (CWS7). Identifiers: Orphanet 201, MedGen C4225179, MONDO:0014802, OMIM 616858.

Submission:

Labcorp Genetics (formerly Invitae), Labcorp
Classification: Pathogenic for Congenital dyserythropoietic anemia, type II; Cowden syndrome 7. Last evaluated: 2023-03-12. Review status: criteria provided, single submitter. Criteria: Invitae Variant Classification Sherloc (09022015). Collection method: clinical testing. Allele origin: germline.
Comment: This variant disrupts a region of the SEC23B protein in which other variant(s) (p.Phe754Leufs*5) have been determined to be pathogenic (PMID: 27471141). This suggests that this is a clinically significant region of the protein, and that variants that disrupt it are likely to be disease-causing. Algorithms developed to predict the effect of sequence changes on RNA splicing suggest that this variant may disrupt the consensus splice site. This variant has not been reported in the literature in individuals affected with SEC23B-related conditions. This variant is not present in population databases (gnomAD no frequency). This sequence change creates a premature translational stop signal (p.Gln738*) in the SEC23B gene. While this is not anticipated to result in nonsense mediated decay, it is expected to disrupt the last 30 amino acid(s) of the SEC23B protein. For these reasons, this variant has been classified as Pathogenic.

Literature cited by the submitters: PubMed 27471141.

NM_006363.6(SEC23B):c.2212C>T (p.Gln738Ter)

Gene: SEC23B (SEC23 homolog B, COPII component; plus strand). Cytogenetic location: 20p11.23.
Variant type: single nucleotide variant.
Coding change: c.2212C>T on transcript NM_006363.6 (MANE Select); coding-DNA position 2212, C replaced by T.
Protein change: p.Gln738Ter; replaces glutamine 738 with a stop codon.
Molecular consequence: nonsense.
Genome position (GRCh38, 1-based): chr20:18,555,171, C>T. VCF-style: chr20-18555171-C-T. GRCh37 (hg19) VCF-style: chr20-18535815-C-T.
Other names: c.2212C>T, p.Gln738Ter (NM_001172745.3, NM_032985.6, NM_032986.5); c.2158C>T, p.Gln720Ter (NM_001172746.3); short protein forms Q720*, Q738*.
Identifiers: ClinVar variation 2939496 (VCV002939496.3), dbSNP rs2517523659, ClinGen allele CA408366792.
Genomic context (GRCh38, chr20:18,555,171, plus strand): 5'-CGATTCCTTTTGTCCAAAGTGAACCCATCTCAGACACACAATAACCTGTATGCTTGGGGA[C>T]AGGTAAGAAATCTTCAGGTATTTGGGGAGGATGCTAAGCTAGTTTTTTTTTAAACTTGTT-3'